The following is an entry in ClinVar:

ClinVar aggregate classification (germline): Uncertain significance (1 of 4 stars; one submission).

Allele frequency attached by ClinVar (database versions not stated): TOPMed below 0.00001; ExAC 0.00001; gnomAD 0.00001; gnomAD exomes 0.00001.

Submission:

Labcorp Genetics (formerly Invitae), Labcorp
Classification: Uncertain significance. Last evaluated: 2023-07-26. Review status: criteria provided, single submitter. Criteria: Invitae Variant Classification Sherloc (09022015). Collection method: clinical testing. Allele origin: germline.
Comment: In summary, the available evidence is currently insufficient to determine the role of this variant in disease. Therefore, it has been classified as a Variant of Uncertain Significance. This sequence change replaces glutamine, which is neutral and polar, with histidine, which is basic and polar, at codon 111 of the DCHS1 protein (p.Gln111His). This variant is present in population databases (rs767959189, gnomAD 0.002%). This variant has not been reported in the literature in individuals affected with DCHS1-related conditions. Advanced modeling of protein sequence and biophysical properties (such as structural, functional, and spatial information, amino acid conservation, physicochemical variation, residue mobility, and thermodynamic stability) performed at Invitae indicates that this missense variant is not expected to disrupt DCHS1 protein function.

NM_003737.4(DCHS1):c.333G>C (p.Gln111His)

Gene: DCHS1 (dachsous cadherin-related 1; minus strand). Cytogenetic location: 11p15.4.
Variant type: single nucleotide variant.
Coding change: c.333G>C on transcript NM_003737.4 (MANE Select); coding-DNA position 333, G replaced by C.
Protein change: p.Gln111His; replaces glutamine 111 with histidine.
Molecular consequence: missense variant.
Genome position (GRCh38, 1-based): chr11:6,641,281, C>G on the plus strand (G>C on the coding strand, the complement: DCHS1 is on the minus strand). VCF-style: chr11-6641281-C-G. GRCh37 (hg19) VCF-style: chr11-6662512-C-G.
Other names: short protein forms Q111H.
Identifiers: ClinVar variation 2954811 (VCV002954811.3), dbSNP rs767959189, ClinGen allele CA5861170.